The following is an entry in ClinVar:

ClinVar aggregate classification (germline): Uncertain significance (1 of 4 stars; one submission).

Conditions:
Primary ciliary dyskinesia. Also called: Ciliary dyskinesia. Identifiers: Orphanet 244, MedGen C0008780, MONDO:0016575, HP:0012265.

Allele frequency attached by ClinVar (database versions not stated): gnomAD exomes below 0.00001; TOPMed below 0.00001; gnomAD 0.00001; ExAC 0.00002.
gnomAD v4.1: 7 of 1,611,754 alleles (0.00043%); highest among the groups gnomAD compares: African/African-American, 0.0013%; no homozygotes.

Submission:

Labcorp Genetics (formerly Invitae), Labcorp
Classification: Uncertain significance for Primary ciliary dyskinesia. Last evaluated: 2022-02-28. Review status: criteria provided, single submitter. Criteria: Invitae Variant Classification Sherloc (09022015). Collection method: clinical testing. Allele origin: germline.
Comment: This sequence change replaces arginine, which is basic and polar, with cysteine, which is neutral and slightly polar, at codon 244 of the RSPH4A protein (p.Arg244Cys). This variant is present in population databases (rs778774449, gnomAD 0.004%). This variant has not been reported in the literature in individuals affected with RSPH4A-related conditions. ClinVar contains an entry for this variant (Variation ID: 945908). Algorithms developed to predict the effect of missense changes on protein structure and function are either unavailable or do not agree on the potential impact of this missense change (SIFT: "Deleterious"; PolyPhen-2: "Probably Damaging"; Align-GVGD: "Class C0"). In summary, the available evidence is currently insufficient to determine the role of this variant in disease. Therefore, it has been classified as a Variant of Uncertain Significance.

NM_001010892.3(RSPH4A):c.730C>T (p.Arg244Cys)

Gene: RSPH4A (radial spoke head component 4A; plus strand). Cytogenetic location: 6q22.1.
Variant type: single nucleotide variant.
Coding change: c.730C>T on transcript NM_001010892.3 (MANE Select); coding-DNA position 730, C replaced by T.
Protein change: p.Arg244Cys; replaces arginine 244 with cysteine.
Molecular consequence: missense variant.
Genome position (GRCh38, 1-based): chr6:116,622,811, C>T. VCF-style: chr6-116622811-C-T. GRCh37 (hg19) VCF-style: chr6-116943974-C-T.
Other names: c.730C>T, p.Arg244Cys (NM_001161664.2); short protein forms R244C.
Identifiers: ClinVar variation 945908 (VCV000945908.8), dbSNP rs778774449, ClinGen allele CA3970830.